The following is an entry in ClinVar:

NM_000492.4(CFTR):c.1019T>A (p.Ile340Asn)

Gene: CFTR (CF transmembrane conductance regulator; plus strand). Cytogenetic location: 7q31.2.
Variant type: single nucleotide variant.
Coding change: c.1019T>A on transcript NM_000492.4 (MANE Select); coding-DNA position 1019, T replaced by A.
Protein change: p.Ile340Asn; replaces isoleucine 340 with asparagine.
Molecular consequence: missense variant.
Genome position (GRCh38, 1-based): chr7:117,540,249, T>A. VCF-style: chr7-117540249-T-A. GRCh37 (hg19) VCF-style: chr7-117180303-T-A.
Other names: short protein forms I340N.
Identifiers: ClinVar variation 495884 (VCV000495884.8), dbSNP rs1554381352, ClinGen allele CA368978798.

ClinVar aggregate classification (germline): Uncertain significance. Review status: criteria provided, multiple submitters, no conflicts (2 of 4 stars). 3 submissions from 3 submitters: Uncertain significance (2). 1 of the submissions does not count toward it. Last evaluated 2025-10-20.

Conditions:
Cystic fibrosis (CF). Also called: MUCOVISCIDOSIS. Identifiers: Orphanet 586, MedGen C0010674, MONDO:0009061, OMIM 219700. Disease mechanism: loss of function.

Allele frequency attached by ClinVar (database versions not stated): gnomAD exomes below 0.00001; TOPMed below 0.00001.
gnomAD v4.1: 2 of 1,614,142 alleles (0.00012%); highest among the groups gnomAD compares: Non-Finnish European, 0.00017%; no homozygotes.

Submissions (3):

Women's Health and Genetics/Laboratory Corporation of America, LabCorp
Classification: Uncertain significance. Last evaluated: 2025-10-20. Review status: criteria provided, single submitter. Criteria: LabCorp Variant Classification Summary - May 2015. Collection method: clinical testing. Allele origin: germline.
Comment: Variant summary: CFTR c.1019T>A (p.Ile340Asn) results in a non-conservative amino acid change in the encoded protein sequence. Algorithms developed to predict the effect of missense changes on protein structure and function all suggest that this variant is likely to be disruptive. The variant was absent in 251226 control chromosomes. To our knowledge, no occurrence of c.1019T>A in individuals affected with Cystic Fibrosis has been reported. At least one publication reports experimental evidence evaluating an impact on protein function. The most pronounced variant effect results in 10%-<30% of normal activity (e.g. Enquist_2009, Han_2018). The following publications have been ascertained in the context of this evaluation (PMID: 19236881, 30046002, 25735457, 25192979, 35714602, 36834620). ClinVar contains an entry for this variant (Variation ID: 495884). Based on the evidence outlined above, the variant was classified as VUS-possibly pathogenic.

Ambry Genetics
Classification: Uncertain significance for Cystic fibrosis. Last evaluated: 2025-01-14. Review status: criteria provided, single submitter. Criteria: Ambry Variant Classification Scheme 2023. Collection method: clinical testing. Allele origin: germline.
Comment: The p.I340N variant (also known as c.1019T>A), located in coding exon 8 of the CFTR gene, results from a T to A substitution at nucleotide position 1019. The isoleucine at codon 340 is replaced by asparagine, an amino acid with dissimilar properties. In an assay testing CFTR function, this variant showed a functionally abnormal result (Han ST et al. JCI Insight, 2018 Jul;3:).This amino acid position is well conserved in available vertebrate species. In addition, the in silico prediction for this alteration is inconclusive. Based on the available evidence, the clinical significance of this variant remains unclear.

Natera, Inc.
Classification: Uncertain significance for Cystic Fibrosis. Last evaluated: 2020-09-16. Review status: no assertion criteria provided. Collection method: clinical testing. Allele origin: germline. Not counted in ClinVar's aggregate classification.

Literature cited by the submitters: PubMed 19236881 (cited by Women's Health and Genetics/Laboratory Corporation of America, LabCorp); PubMed 25735457 (cited by Women's Health and Genetics/Laboratory Corporation of America, LabCorp); PubMed 25192979 (cited by Women's Health and Genetics/Laboratory Corporation of America, LabCorp); PubMed 30046002 (cited by Women's Health and Genetics/Laboratory Corporation of America, LabCorp and Ambry Genetics); PubMed 36834620 (cited by Women's Health and Genetics/Laboratory Corporation of America, LabCorp); PubMed 35714602 (cited by Women's Health and Genetics/Laboratory Corporation of America, LabCorp).